The following is an entry in ClinVar:

NM_000020.3(ACVRL1):c.740A>T (p.Asn247Ile)

Gene: ACVRL1 (activin A receptor like type 1; plus strand). Cytogenetic location: 12q13.13.
Variant type: single nucleotide variant.
Coding change: c.740A>T on transcript NM_000020.3 (MANE Select); coding-DNA position 740, A replaced by T.
Protein change: p.Asn247Ile; replaces asparagine 247 with isoleucine.
Molecular consequence: missense variant.
Genome position (GRCh38, 1-based): chr12:51,914,553, A>T. VCF-style: chr12-51914553-A-T. GRCh37 (hg19) VCF-style: chr12-52308337-A-T.
Other names: c.740A>T, p.Asn247Ile (NM_001077401.2, NM_001406487.1, NM_001406488.1 and 1 more transcripts); c.428A>T, p.Asn143Ile (NM_001406490.1, NM_001406491.1, NM_001406492.1 and 2 more transcripts); c.176A>T, p.Asn59Ile (NM_001406495.1); short protein forms N143I, N247I, N59I.
Identifiers: ClinVar variation 3906357 (VCV003906357.1).

ClinVar aggregate classification (germline): Uncertain significance (1 of 4 stars; one submission).

gnomAD v4.1: 1 of 1,613,760 alleles (0.000062%); highest among the groups gnomAD compares: African/African-American, 0.0013%; no homozygotes.

Submission:

GeneDx
Classification: Uncertain significance. Last evaluated: 2024-12-23. Review status: criteria provided, single submitter. Criteria: GeneDx Variant Classification Process June 2021. Collection method: clinical testing. Allele origin: germline. Affected: yes.
Comment: Not observed at significant frequency in large population cohorts (gnomAD); In silico analysis supports that this missense variant has a deleterious effect on protein structure/function; Has not been previously published as pathogenic or benign to our knowledge